The following is an entry in ClinVar:

NM_152393.4(KLHL40):c.379C>T (p.Arg127Cys)

Gene: KLHL40 (kelch like family member 40; plus strand). Cytogenetic location: 3p22.1.
Variant type: single nucleotide variant.
Coding change: c.379C>T on transcript NM_152393.4 (MANE Select); coding-DNA position 379, C replaced by T.
Protein change: p.Arg127Cys; replaces arginine 127 with cysteine.
Molecular consequence: missense variant.
Genome position (GRCh38, 1-based): chr3:42,685,997, C>T. VCF-style: chr3-42685997-C-T. GRCh37 (hg19) VCF-style: chr3-42727489-C-T.
Other names: short protein forms R127C.
Identifiers: ClinVar variation 952136 (VCV000952136.1), dbSNP rs1259316854, ClinGen allele CA352289259.

ClinVar aggregate classification (germline): Uncertain significance (1 of 4 stars; one submission).

Conditions:
Nemaline myopathy 8 (NEM8). Also called: Nemaline myopathy 8, autosomal recessive. Identifiers: Orphanet 171430, MedGen C3809209, MONDO:0014138, OMIM 615348.

Allele frequency attached by ClinVar (database versions not stated): gnomAD 0.00001.

Submission:

Labcorp Genetics (formerly Invitae), Labcorp
Classification: Uncertain significance for Nemaline myopathy 8. Last evaluated: 2019-05-31. Review status: criteria provided, single submitter. Criteria: Invitae Variant Classification Sherloc (09022015). Collection method: clinical testing. Allele origin: germline.
Comment: This sequence change replaces arginine with cysteine at codon 127 of the KLHL40 protein (p.Arg127Cys). The arginine residue is highly conserved and there is a large physicochemical difference between arginine and cysteine. This variant is not present in population databases (ExAC no frequency). This variant has not been reported in the literature in individuals with KLHL40-related conditions. Algorithms developed to predict the effect of missense changes on protein structure and function (SIFT, PolyPhen-2, Align-GVGD) all suggest that this variant is likely to be disruptive, but these predictions have not been confirmed by published functional studies and their clinical significance is uncertain. In summary, the available evidence is currently insufficient to determine the role of this variant in disease. Therefore, it has been classified as a Variant of Uncertain Significance.